The following is an entry in ClinVar:

NM_152703.5(SAMD9L):c.1172A>G (p.Lys391Arg)

Gene: SAMD9L (sterile alpha motif domain containing 9 like; minus strand). Cytogenetic location: 7q21.2.
Variant type: single nucleotide variant.
Coding change: c.1172A>G on transcript NM_152703.5 (MANE Select); coding-DNA position 1172, A replaced by G.
Protein change: p.Lys391Arg; replaces lysine 391 with arginine.
Molecular consequence: missense variant.
Genome position (GRCh38, 1-based): chr7:93,134,800, T>C on the plus strand (A>G on the coding strand, the complement: SAMD9L is on the minus strand). VCF-style: chr7-93134800-T-C. GRCh37 (hg19) VCF-style: chr7-92764113-T-C.
Other names: c.1172A>G, p.Lys391Arg (NM_001303496.3, NM_001303497.3, NM_001303498.3 and 5 more transcripts); short protein forms K391R.
Identifiers: ClinVar variation 2303710 (VCV002303710.7), dbSNP rs2535430688, ClinGen allele CA368198435.

ClinVar aggregate classification (germline): Uncertain significance. Review status: criteria provided, multiple submitters, no conflicts (2 of 4 stars). 3 submissions from 3 submitters: Uncertain significance (3). Last evaluated 2025-03-31.

Conditions:
Monosomy 7 myelodysplasia and leukemia syndrome 1. Also called: CHROMOSOME 7q DELETION; Familial Mosaic Monosomy 7 Syndrome; Monosomy 7 of bone marrow. Identifiers: MedGen C1854978, MONDO:0009646, OMIM 252270.
Inborn genetic diseases. Identifiers: MedGen C0950123, MeSH D030342.

Submissions (3):

Labcorp Genetics (formerly Invitae), Labcorp
Classification: Uncertain significance. Last evaluated: 2025-03-31. Review status: criteria provided, single submitter. Criteria: Invitae Variant Classification Sherloc (09022015). Collection method: clinical testing. Allele origin: germline.
Comment: This sequence change replaces lysine, which is basic and polar, with arginine, which is basic and polar, at codon 391 of the SAMD9L protein (p.Lys391Arg). This variant is not present in population databases (gnomAD no frequency). This variant has not been reported in the literature in individuals affected with SAMD9L-related conditions. ClinVar contains an entry for this variant (Variation ID: 2303710). Invitae Evidence Modeling of protein sequence and biophysical properties (such as structural, functional, and spatial information, amino acid conservation, physicochemical variation, residue mobility, and thermodynamic stability) indicates that this missense variant is not expected to disrupt SAMD9L protein function with a negative predictive value of 80%. In summary, the available evidence is currently insufficient to determine the role of this variant in disease. Therefore, it has been classified as a Variant of Uncertain Significance.

3billion
Classification: Uncertain significance for Monosomy 7 myelodysplasia and leukemia syndrome 1. Last evaluated: 2024-11-25. Review status: criteria provided, single submitter. Criteria: ACMG Guidelines, 2015. Collection method: clinical testing. Allele origin: germline. Affected: yes.
Comment: The variant is not observed in the gnomAD v4.1.0 dataset. Predicted Consequence/Location: Missense variant. Missense changes are a common disease-causing mechanism. In silico tool predictions suggest no damaging effect of the variant on gene or gene product [REVEL: 0.04 (<0.4); 3Cnet: 0.00 (<0.15, specificity 0.78 and negative predictive value 0.92)]. The variant has been reported as of uncertain significance (ClinVar ID: VCV002303710). Therefore, this variant is classified as VUS according to the recommendation of ACMG/AMP guideline.

Ambry Genetics
Classification: Uncertain significance for Inborn genetic diseases. Last evaluated: 2024-11-21. Review status: criteria provided, single submitter. Criteria: Ambry Variant Classification Scheme 2023. Collection method: clinical testing. Allele origin: germline.
Comment: The p.K391R variant (also known as c.1172A>G), located in coding exon 1 of the SAMD9L gene, results from an A to G substitution at nucleotide position 1172. The lysine at codon 391 is replaced by arginine, an amino acid with highly similar properties. This amino acid position is conserved. In addition, this alteration is predicted to be tolerated by in silico analysis. Based on the available evidence, the clinical significance of this variant remains unclear.